The following is an entry in ClinVar:

ClinVar aggregate classification (germline): Uncertain significance (1 of 4 stars; one submission).

gnomAD v4.1: 1 of 1,613,820 alleles (0.000062%); highest among the groups gnomAD compares: South Asian, 0.0011%; no homozygotes.

Submission:

GeneDx
Classification: Uncertain significance. Last evaluated: 2023-06-21. Review status: criteria provided, single submitter. Criteria: GeneDx Variant Classification Process June 2021. Collection method: clinical testing. Allele origin: germline. Affected: yes.
Comment: Not observed at significant frequency in large population cohorts (gnomAD); In silico analysis supports that this missense variant does not alter protein structure/function; Has not been previously published as pathogenic or benign to our knowledge

NM_022841.7(RFX7):c.3007G>A (p.Gly1003Ser)

Gene: RFX7 (regulatory factor X7; minus strand). Cytogenetic location: 15q21.3.
Variant type: single nucleotide variant.
Coding change: c.3007G>A on transcript NM_022841.7 (MANE Select); coding-DNA position 3007, G replaced by A.
Protein change: p.Gly1003Ser; replaces glycine 1003 with serine.
Molecular consequence: missense variant.
Genome position (GRCh38, 1-based): chr15:56,094,721, C>T on the plus strand (G>A on the coding strand, the complement: RFX7 is on the minus strand). VCF-style: chr15-56094721-C-T. GRCh37 (hg19) VCF-style: chr15-56386919-C-T.
Other names: c.2716G>A, p.Gly906Ser (NM_001368073.2, NM_001368074.1, NM_001370554.1); c.3007G>A, p.Gly1003Ser (NM_001370561.1); short protein forms G1003S, G906S.
Identifiers: ClinVar variation 3360005 (VCV003360005.1).